The following is an entry in ClinVar:

NM_001379200.1(TBX1):c.1085C>G (p.Ala362Gly)

Gene: TBX1 (T-box transcription factor 1; plus strand). Cytogenetic location: 22q11.21.
Variant type: single nucleotide variant.
Coding change: c.1085C>G on transcript NM_001379200.1 (MANE Select); coding-DNA position 1085, C replaced by G.
Protein change: p.Ala362Gly; replaces alanine 362 with glycine.
Molecular consequence: missense variant. On other transcripts: intron variant (2).
Genome position (GRCh38, 1-based): chr22:19,766,437, C>G. VCF-style: chr22-19766437-C-G. GRCh37 (hg19) VCF-style: chr22-19753960-C-G.
Other names: c.1058C>G, p.Ala353Gly (NM_080647.1); c.1009+435C>G (NM_005992.1, NM_080646.2); short protein forms A362G, A353G.
Identifiers: ClinVar variation 1437425 (VCV001437425.8), dbSNP rs569581176, ClinGen allele CA322058116.

ClinVar aggregate classification (germline): Uncertain significance. Review status: criteria provided, multiple submitters, no conflicts (2 of 4 stars). 2 submissions from 2 submitters: Uncertain significance (2). Last evaluated 2025-12-23.

Conditions:
DiGeorge syndrome. Also called: Catch22; THIRD AND FOURTH PHARYNGEAL POUCH SYNDROME. Identifiers: Orphanet 567, MedGen C0012236, MONDO:0008564, OMIM 188400.

Allele frequency attached by ClinVar (database versions not stated): TOPMed 0.00003; gnomAD 0.00004; 1000 Genomes Project 30x 0.00016; 1000 Genomes Project 0.00020.
gnomAD v4.1: 66 of 1,346,660 alleles (0.0049%); highest among the groups gnomAD compares: Non-Finnish European, 0.0062%; no homozygotes.

Submissions (2):

Labcorp Genetics (formerly Invitae), Labcorp
Classification: Uncertain significance for DiGeorge syndrome. Last evaluated: 2025-12-23. Review status: criteria provided, single submitter. Criteria: Invitae Variant Classification Sherloc (09022015). Collection method: clinical testing. Allele origin: germline.
Comment: This sequence change replaces alanine, which is neutral and non-polar, with glycine, which is neutral and non-polar, at codon 353 of the TBX1 protein (p.Ala353Gly). This variant is present in population databases (rs569581176, gnomAD 0.01%). This variant has not been reported in the literature in individuals affected with TBX1-related conditions. ClinVar contains an entry for this variant (Variation ID: 1437425). An algorithm developed to predict the effect of missense changes on protein structure and function (PolyPhen-2) suggests that this variant is likely to be tolerated. In summary, the available evidence is currently insufficient to determine the role of this variant in disease. Therefore, it has been classified as a Variant of Uncertain Significance.

Blueprint Genetics
Classification: Uncertain significance. Last evaluated: 2024-07-19. Review status: criteria provided, single submitter. Criteria: ACMG Guidelines, 2015. Collection method: clinical testing. Allele origin: germline.